The following is an entry in ClinVar:

ClinVar aggregate classification (germline): Likely pathogenic. Review status: criteria provided, multiple submitters, no conflicts (2 of 4 stars). 2 submissions from 2 submitters: Likely pathogenic (2). Last evaluated 2025-05-15.

Conditions:
Hyper-IgM syndrome type 3. Also called: Hyper-IgM Immunodeficiency Syndrome, Type 3. Identifiers: Orphanet 101090, MedGen C1720957, MONDO:0011735, OMIM 606843.

Submissions (2):

MVZ Medizinische Genetik Mainz
Classification: Likely pathogenic for Hyper-IgM syndrome type 3. Last evaluated: 2025-05-15. Review status: criteria provided, single submitter. Criteria: UK Practice Guidelines For Variant Classification V4 01 2020. Collection method: clinical testing. Allele origin: germline. Inheritance: Autosomal recessive inheritance. Affected: yes. Observed: 1 variant allele.
Comment: ACMG Criteria: PM3,PM4,PM2_SUP,PP4

Labcorp Genetics (formerly Invitae), Labcorp
Classification: Likely pathogenic. Last evaluated: 2023-04-24. Review status: criteria provided, single submitter. Criteria: Invitae Variant Classification Sherloc (09022015). Collection method: clinical testing. Allele origin: germline.
Comment: In summary, the currently available evidence indicates that the variant is pathogenic, but additional data are needed to prove that conclusively. Therefore, this variant has been classified as Likely Pathogenic. ClinVar contains an entry for this variant (Variation ID: 2138351). This variant is also known as c.831–834 delTAGG p.X277ins33. This protein extension has been observed in individuals with clinical features of autosomal recessive hyper IgM syndrome (PMID: 22443339; Invitae). It has also been observed to segregate with disease in related individuals. This variant is not present in population databases (gnomAD no frequency). This sequence change disrupts the translational stop signal of the CD40 mRNA. It is expected to extend the length of the CD40 protein by 33 additional amino acid residues.

Literature cited by the submitters: PubMed 22443339 (cited by Labcorp Genetics (formerly Invitae), Labcorp).

NM_001250.6(CD40):c.832_*1del (p.Ter278AlaextTer?)

Gene: CD40 (CD40 molecule; plus strand). Cytogenetic location: 20q13.12.
Variant type: Deletion.
Coding change: c.832_*1del on transcript NM_001250.6 (MANE Select); coding-DNA position 832 through 1 bases downstream of the stop codon, 4 bases deleted (TGAG; older notation c.832_*1delTGAG).
Protein change: p.Ter278AlaextTer?.
Molecular consequence: frameshift variant, stop lost. On other transcripts: 3 prime UTR variant (3), non-coding transcript variant (2).
Genome position (GRCh38, 1-based): chr20:46,129,038-46,129,041, TGAG deleted; deleting any 4 consecutive bases within chr20:46,129,036-46,129,041 gives the same sequence; the c. name uses the placement nearest the transcript's 3' end. VCF-style (leftmost placement, unchanged base first): chr20-46129035-CAGTG-C. GRCh37 (hg19) VCF-style: chr20-44757674-CAGTG-C.
Other names: c.*158_*161del (NM_001302753.2, NM_001362758.2, NM_152854.4); c.844_*1del, p.Ter282AlaextTer? (NM_001322421.2); c.676_*1del, p.Ter226AlaextTer? (NM_001322422.2).
Identifiers: ClinVar variation 2138351 (VCV002138351.5), dbSNP rs2515729824, ClinGen allele CA2573320741.